The following is an entry in ClinVar:

ClinVar aggregate classification (germline): Uncertain significance. Review status: criteria provided, multiple submitters, no conflicts (2 of 4 stars). 2 submissions from 2 submitters: Uncertain significance (2). Last evaluated 2024-02-29.

Conditions:
Hereditary cancer-predisposing syndrome. Also called: Hereditary neoplastic syndrome; Neoplastic Syndromes, Hereditary; Tumor predisposition; Hereditary Cancer Syndrome. Identifiers: Orphanet 140162, MedGen C0027672, MeSH D009386, MONDO:0015356.
Ataxia-telangiectasia syndrome (AT). Also called: Ataxia-telangiectasia, complementation group D; AT, COMPLEMENTATION GROUP C; ATAXIA-TELANGIECTASIA, COMPLEMENTATION GROUP A; ATAXIA-TELANGIECTASIA, FRESNO VARIANT; Ataxia-telangiectasia; Cerebello-oculocutaneous telangiectasia. Identifiers: Orphanet 100, MedGen C0004135, MONDO:0008840, OMIM 208900.

Submissions (2):

Ambry Genetics
Classification: Uncertain significance for Hereditary cancer-predisposing syndrome. Last evaluated: 2024-02-29. Review status: criteria provided, single submitter. Criteria: Ambry Variant Classification Scheme 2023. Collection method: clinical testing. Allele origin: germline.
Comment: The p.K1692E variant (also known as c.5074A>G), located in coding exon 33 of the ATM gene, results from an A to G substitution at nucleotide position 5074. The lysine at codon 1692 is replaced by glutamic acid, an amino acid with similar properties. This amino acid position is conserved. In addition, this alteration is predicted to be tolerated by in silico analysis. Based on the available evidence, the clinical significance of this alteration remains unclear.

Labcorp Genetics (formerly Invitae), Labcorp
Classification: Uncertain significance for Ataxia-telangiectasia syndrome. Last evaluated: 2020-10-27. Review status: criteria provided, single submitter. Criteria: Invitae Variant Classification Sherloc (09022015). Collection method: clinical testing. Allele origin: germline.
Comment: In summary, the available evidence is currently insufficient to determine the role of this variant in disease. Therefore, it has been classified as a Variant of Uncertain Significance. Advanced modeling of protein sequence and biophysical properties (such as structural, functional, and spatial information, amino acid conservation, physicochemical variation, residue mobility, and thermodynamic stability) performed at Invitae indicates that this missense variant is not expected to disrupt ATM protein function. This variant has not been reported in the literature in individuals with ATM-related conditions. This variant is not present in population databases (ExAC no frequency). This sequence change replaces lysine with glutamic acid at codon 1692 of the ATM protein (p.Lys1692Glu). The lysine residue is moderately conserved and there is a small physicochemical difference between lysine and glutamic acid.

NM_000051.4(ATM):c.5074A>G (p.Lys1692Glu)

Gene: ATM (ATM serine/threonine kinase; plus strand). Cytogenetic location: 11q22.3.
Variant type: single nucleotide variant.
Coding change: c.5074A>G on transcript NM_000051.4 (MANE Select); coding-DNA position 5074, A replaced by G.
Protein change: p.Lys1692Glu; replaces lysine 1692 with glutamic acid.
Molecular consequence: missense variant.
Genome position (GRCh38, 1-based): chr11:108,299,782, A>G. VCF-style: chr11-108299782-A-G. GRCh37 (hg19) VCF-style: chr11-108170509-A-G.
Other names: c.5074A>G (NM_000051.3); c.5074A>G, p.Lys1692Glu (NM_001351834.2); short protein forms K1692E.
Identifiers: ClinVar variation 1008115 (VCV001008115.9), dbSNP rs2083326508, ClinGen allele CA382540581.